The following is an entry in ClinVar:

ClinVar aggregate classification (germline): Uncertain significance (1 of 4 stars; one submission).

gnomAD v4.1: 1 of 1,614,222 alleles (0.000062%); highest among the groups gnomAD compares: African/African-American, 0.0013%; no homozygotes.

Submission:

Ambry Genetics
Classification: Uncertain significance. Last evaluated: 2023-01-15. Review status: criteria provided, single submitter. Criteria: Ambry Variant Classification Scheme 2023. Collection method: clinical testing. Allele origin: germline.
Comment: The p.N829K variant (also known as c.2487T>A), located in coding exon 13 of the NPAT gene, results from a T to A substitution at nucleotide position 2487. The asparagine at codon 829 is replaced by lysine, an amino acid with similar properties. This amino acid position is conserved. In addition, this alteration is predicted to be tolerated by in silico analysis. Since supporting evidence is limited at this time, the clinical significance of this alteration remains unclear.

NM_002519.3(NPAT):c.2487T>A (p.Asn829Lys)

Gene: NPAT (nuclear protein, coactivator of histone transcription; minus strand). Cytogenetic location: 11q22.3.
Variant type: single nucleotide variant.
Coding change: c.2487T>A on transcript NM_002519.3 (MANE Select); coding-DNA position 2487, T replaced by A.
Protein change: p.Asn829Lys; replaces asparagine 829 with lysine.
Molecular consequence: missense variant.
Genome position (GRCh38, 1-based): chr11:108,172,497, A>T on the plus strand (T>A on the coding strand, the complement: NPAT is on the minus strand). VCF-style: chr11-108172497-A-T. GRCh37 (hg19) VCF-style: chr11-108043224-A-T.
Other names: c.2487T>A, p.Asn829Lys (NM_001321307.1); short protein forms N829K.
Identifiers: ClinVar variation 2447468 (VCV002447468.2), dbSNP rs778011005, ClinGen allele CA382512876.